The following is an entry in ClinVar:

ClinVar aggregate classification (germline): Uncertain significance (1 of 4 stars; one submission).

Allele frequency attached by ClinVar (database versions not stated): gnomAD exomes below 0.00001; ExAC 0.00001; gnomAD 0.00002; ESP Exome Variant Server 0.00008.
gnomAD v4.1: 5 of 1,613,352 alleles (0.00031%); highest among the groups gnomAD compares: African/African-American, 0.0053%; no homozygotes.

Submission:

Labcorp Genetics (formerly Invitae), Labcorp
Classification: Uncertain significance. Last evaluated: 2022-08-12. Review status: criteria provided, single submitter. Criteria: Invitae Variant Classification Sherloc (09022015). Collection method: clinical testing. Allele origin: germline.
Comment: In summary, the available evidence is currently insufficient to determine the role of this variant in disease. Therefore, it has been classified as a Variant of Uncertain Significance. Algorithms developed to predict the effect of missense changes on protein structure and function (SIFT, PolyPhen-2, Align-GVGD) all suggest that this variant is likely to be tolerated. This variant has not been reported in the literature in individuals affected with HMCN1-related conditions. This variant is present in population databases (rs147413000, gnomAD 0.007%). This sequence change replaces threonine, which is neutral and polar, with serine, which is neutral and polar, at codon 5547 of the HMCN1 protein (p.Thr5547Ser).

NM_031935.3(HMCN1):c.16639A>T (p.Thr5547Ser)

Gene: HMCN1 (hemicentin 1; plus strand). Cytogenetic location: 1q31.1.
Variant type: single nucleotide variant.
Coding change: c.16639A>T on transcript NM_031935.3 (MANE Select); coding-DNA position 16639, A replaced by T.
Protein change: p.Thr5547Ser; replaces threonine 5547 with serine.
Molecular consequence: missense variant.
Genome position (GRCh38, 1-based): chr1:186,189,609, A>T. VCF-style: chr1-186189609-A-T. GRCh37 (hg19) VCF-style: chr1-186158741-A-T.
Other names: short protein forms T5547S.
Identifiers: ClinVar variation 1964643 (VCV001964643.5), dbSNP rs147413000, ClinGen allele CA1295621.